The following is an entry in ClinVar:

NM_153704.6(TMEM67):c.2029T>G (p.Trp677Gly)

Gene: TMEM67 (transmembrane protein 67; plus strand). Cytogenetic location: 8q22.1.
Variant type: single nucleotide variant.
Coding change: c.2029T>G on transcript NM_153704.6 (MANE Select); coding-DNA position 2029, T replaced by G.
Protein change: p.Trp677Gly; replaces tryptophan 677 with glycine.
Molecular consequence: missense variant. On other transcripts: non-coding transcript variant (1).
Genome position (GRCh38, 1-based): chr8:93,797,399, T>G. VCF-style: chr8-93797399-T-G. GRCh37 (hg19) VCF-style: chr8-94809627-T-G.
Other names: c.1786T>G, p.Trp596Gly (NM_001142301.1); short protein forms W677G, W596G.
Identifiers: ClinVar variation 4978340 (VCV004978340.1).

ClinVar aggregate classification (germline): Uncertain significance (1 of 4 stars; one submission).

Conditions:
TMEM67-related disorder. Also called: TMEM67-related condition; TMEM67-related disorders. Identifiers: MedGen CN239423.

gnomAD v4.1: 6 of 1,614,036 alleles (0.00037%); highest among the groups gnomAD compares: South Asian, 0.0066%; no homozygotes.

Submission:

PreventionGenetics, part of Exact Sciences
Classification: Uncertain significance for TMEM67-related condition. Last evaluated: 2025-03-06. Review status: criteria provided, single submitter. Criteria: ACMG Guidelines, 2015. Collection method: clinical testing. Allele origin: germline.
Comment: The TMEM67 c.2029T>G variant is predicted to result in the amino acid substitution p.Trp677Gly. To our knowledge, this variant has not been reported in the literature. This variant is reported in 0.0065% of alleles in individuals of South Asian descent in gnomAD. At this time, the clinical significance of this variant is uncertain due to the absence of conclusive functional and genetic evidence.